The following is an entry in ClinVar:

ClinVar aggregate classification (germline): Uncertain significance (1 of 4 stars; one submission).

gnomAD v4.1: 40 of 1,613,048 alleles (0.0025%); highest among the groups gnomAD compares: Non-Finnish European, 0.0034%; no homozygotes.

Submission:

Labcorp Genetics (formerly Invitae), Labcorp
Classification: Uncertain significance. Last evaluated: 2024-02-03. Review status: criteria provided, single submitter. Criteria: Invitae Variant Classification Sherloc (09022015). Collection method: clinical testing. Allele origin: germline.
Comment: This sequence change replaces glutamic acid, which is acidic and polar, with glutamine, which is neutral and polar, at codon 1234 of the ROBO1 protein (p.Glu1234Gln). This variant is present in population databases (no rsID available, gnomAD 0.0009%). This variant has not been reported in the literature in individuals affected with ROBO1-related conditions. Advanced modeling of protein sequence and biophysical properties (such as structural, functional, and spatial information, amino acid conservation, physicochemical variation, residue mobility, and thermodynamic stability) performed at Invitae indicates that this missense variant is not expected to disrupt ROBO1 protein function with a negative predictive value of 95%. In summary, the available evidence is currently insufficient to determine the role of this variant in disease. Therefore, it has been classified as a Variant of Uncertain Significance.

NM_002941.4(ROBO1):c.3700G>C (p.Glu1234Gln)

Gene: ROBO1 (roundabout guidance receptor 1; minus strand). Cytogenetic location: 3p12.3.
Variant type: single nucleotide variant.
Coding change: c.3700G>C on transcript NM_002941.4 (MANE Select); coding-DNA position 3700, G replaced by C.
Protein change: p.Glu1234Gln; replaces glutamic acid 1234 with glutamine.
Molecular consequence: missense variant.
Genome position (GRCh38, 1-based): chr3:78,627,496, C>G on the plus strand (G>C on the coding strand, the complement: ROBO1 is on the minus strand). VCF-style: chr3-78627496-C-G. GRCh37 (hg19) VCF-style: chr3-78676646-C-G.
Other names: c.3400G>C, p.Glu1134Gln (NM_001145845.2); c.3565G>C, p.Glu1189Gln (NM_133631.4); short protein forms E1134Q, E1189Q, E1234Q.
Identifiers: ClinVar variation 3622858 (VCV003622858.2).